The following is an entry in ClinVar:

NM_000256.3(MYBPC3):c.1774del (p.Val592fs)

Gene: MYBPC3 (myosin binding protein C3; minus strand). Cytogenetic location: 11p11.2.
Variant type: Deletion.
Coding change: c.1774del on transcript NM_000256.3 (MANE Select); coding-DNA position 1774, one base deleted (G; older notation c.1774delG).
Protein change: p.Val592fs; shifts the reading frame from valine 592.
Molecular consequence: frameshift variant.
Genome position (GRCh38, 1-based): chr11:47,342,007, C deleted on the plus strand (G on the coding strand, the reverse complement: MYBPC3 is on the minus strand); the first of 2 consecutive C bases (chr11:47,342,007-47,342,008); deleting either gives the same sequence. VCF-style (leftmost placement, unchanged base first): chr11-47342006-AC-A. GRCh37 (hg19) VCF-style: chr11-47363557-AC-A.
Other names: short protein forms V592fs.
Identifiers: ClinVar variation 4771359 (VCV004771359.1).

ClinVar aggregate classification (germline): Pathogenic (1 of 4 stars; one submission).

Conditions:
Hypertrophic cardiomyopathy. Also called: HYPERTROPHIC MYOCARDIOPATHY. Identifiers: Orphanet 217569, MedGen C0007194, MeSH D002312, MONDO:0005045, HP:0001639.

Submission:

Labcorp Genetics (formerly Invitae), Labcorp
Classification: Pathogenic for Hypertrophic cardiomyopathy. Last evaluated: 2025-09-21. Review status: criteria provided, single submitter. Criteria: Invitae Variant Classification Sherloc (09022015). Collection method: clinical testing. Allele origin: germline.
Comment: This sequence change creates a premature translational stop signal (p.Val592Cysfs*10) in the MYBPC3 gene. It is expected to result in an absent or disrupted protein product. Loss-of-function variants in MYBPC3 are known to be pathogenic (PMID: 19574547). This variant is not present in population databases (gnomAD no frequency). This variant has not been reported in the literature in individuals affected with MYBPC3-related conditions. For these reasons, this variant has been classified as Pathogenic.

Literature cited by the submitters: PubMed 19574547.